The following is an entry in ClinVar:

ClinVar aggregate classification (germline): Uncertain significance (1 of 4 stars; one submission).

Conditions:
Aicardi-Goutieres syndrome 7 (AGS7). Identifiers: Orphanet 51, MedGen C3888244, MONDO:0014367, OMIM 615846.
Singleton-Merten syndrome 1 (SGMRT1). Also called: Widened medullary cavities of bone, aortic calcification, abnormal dentition, and muscular weakness; Syndrome of widened medullary cavities of the metacarpals and phalanges, aortic calcification and abnormal dentition. Identifiers: Orphanet 85191, MedGen C4225427, MONDO:0024535, OMIM 182250.

Submission:

Labcorp Genetics (formerly Invitae), Labcorp
Classification: Uncertain significance for Aicardi-Goutieres syndrome 7; Singleton-Merten syndrome 1. Last evaluated: 2025-02-17. Review status: criteria provided, single submitter. Criteria: Invitae Variant Classification Sherloc (09022015). Collection method: clinical testing. Allele origin: germline.
Comment: This sequence change replaces threonine, which is neutral and polar, with asparagine, which is neutral and polar, at codon 394 of the IFIH1 protein (p.Thr394Asn). This variant is not present in population databases (gnomAD no frequency). This variant has not been reported in the literature in individuals affected with IFIH1-related conditions. ClinVar contains an entry for this variant (Variation ID: 2121531). Invitae Evidence Modeling of protein sequence and biophysical properties (such as structural, functional, and spatial information, amino acid conservation, physicochemical variation, residue mobility, and thermodynamic stability) has been performed for this missense variant. However, the output from this modeling did not meet the statistical confidence thresholds required to predict the impact of this variant on IFIH1 protein function. In summary, the available evidence is currently insufficient to determine the role of this variant in disease. Therefore, it has been classified as a Variant of Uncertain Significance.

NM_022168.4(IFIH1):c.1181C>A (p.Thr394Asn)

Gene: IFIH1 (interferon induced with helicase C domain 1; minus strand). Cytogenetic location: 2q24.2.
Variant type: single nucleotide variant.
Coding change: c.1181C>A on transcript NM_022168.4 (MANE Select); coding-DNA position 1181, C replaced by A.
Protein change: p.Thr394Asn; replaces threonine 394 with asparagine.
Molecular consequence: missense variant.
Genome position (GRCh38, 1-based): chr2:162,282,491, G>T on the plus strand (C>A on the coding strand, the complement: IFIH1 is on the minus strand). VCF-style: chr2-162282491-G-T. GRCh37 (hg19) VCF-style: chr2-163139001-G-T.
Other names: short protein forms T394N.
Identifiers: ClinVar variation 2121531 (VCV002121531.4), dbSNP rs1418555301, ClinGen allele CA349002909.
Genomic context (GRCh38, chr2:162,282,491, plus strand): 5'-GCTGTACTGATAATAATATCACAGGACTTGACAACTTCTGGAAATGATATTTTCAGTTGG[G>T]TATCACCACTTAATCCAATAACACGATACCATTTCTTCAAAAATGGTTGGAACTCCTTGC-3'
Protein context (NP_071451.2, residues 384-404): WYRVIGLSGD[Thr394Asn]QLKISFPEVV